The following is an entry in ClinVar:

ClinVar aggregate classification (germline): Uncertain significance (1 of 4 stars; one submission).

Allele frequency attached by ClinVar (database versions not stated): gnomAD exomes below 0.00001; TOPMed below 0.00001; gnomAD 0.00001.

Submission:

Labcorp Genetics (formerly Invitae), Labcorp
Classification: Uncertain significance. Last evaluated: 2022-11-15. Review status: criteria provided, single submitter. Criteria: Invitae Variant Classification Sherloc (09022015). Collection method: clinical testing. Allele origin: germline.
Comment: ClinVar contains an entry for this variant (Variation ID: 1515451). In summary, the available evidence is currently insufficient to determine the role of this variant in disease. Therefore, it has been classified as a Variant of Uncertain Significance. Algorithms developed to predict the effect of missense changes on protein structure and function are either unavailable or do not agree on the potential impact of this missense change (SIFT: "Tolerated"; PolyPhen-2: "Possibly Damaging"; Align-GVGD: "Class C0"). This variant has not been reported in the literature in individuals affected with CAD-related conditions. This variant is not present in population databases (gnomAD no frequency). This sequence change replaces methionine, which is neutral and non-polar, with valine, which is neutral and non-polar, at codon 1965 of the CAD protein (p.Met1965Val).

NM_004341.5(CAD):c.5893A>G (p.Met1965Val)

Gene: CAD (carbamoyl-phosphate synthetase 2, aspartate transcarbamylase, and dihydroorotase; plus strand). Cytogenetic location: 2p23.3.
Variant type: single nucleotide variant.
Coding change: c.5893A>G on transcript NM_004341.5 (MANE Select); coding-DNA position 5893, A replaced by G.
Protein change: p.Met1965Val; replaces methionine 1965 with valine.
Molecular consequence: missense variant.
Genome position (GRCh38, 1-based): chr2:27,241,920, A>G. VCF-style: chr2-27241920-A-G. GRCh37 (hg19) VCF-style: chr2-27464788-A-G.
Other names: c.5704A>G, p.Met1902Val (NM_001306079.2); short protein forms M1902V, M1965V.
Identifiers: ClinVar variation 1515451 (VCV001515451.8), dbSNP rs1676337843, ClinGen allele CA346223864.